The following is an entry in ClinVar:

NM_001110556.2(FLNA):c.7150G>A (p.Asp2384Asn)

Gene: FLNA (filamin A; minus strand). Cytogenetic location: Xq28.
Variant type: single nucleotide variant.
Coding change: c.7150G>A on transcript NM_001110556.2 (MANE Select); coding-DNA position 7150, G replaced by A.
Protein change: p.Asp2384Asn; replaces aspartic acid 2384 with asparagine.
Molecular consequence: missense variant.
Genome position (GRCh38, 1-based): chrX:154,350,915, C>T on the plus strand (G>A on the coding strand, the complement: FLNA is on the minus strand). VCF-style: chrX-154350915-C-T. GRCh37 (hg19) VCF-style: chrX-153579283-C-T.
Other names: c.7126G>A, p.Asp2376Asn (NM_001456.4); short protein forms D2376N, D2384N.
Identifiers: ClinVar variation 1307234 (VCV001307234.7), dbSNP rs782754461, ClinGen allele CA10559952.

ClinVar aggregate classification (germline): Conflicting classifications of pathogenicity. Review status: criteria provided, conflicting classifications (1 of 4 stars). 3 submissions from 3 submitters: Uncertain significance (2); Likely benign (1). Last evaluated 2025-10-09.

Conditions:
Melnick-Needles syndrome (MNS). Also called: MELNICK-NEEDLES OSTEODYSPLASTY; OSTEODYSPLASTY OF MELNICK AND NEEDLES; Melnick-Needles Syndrome (FLNA-MNS). Identifiers: Orphanet 2484, MedGen C0025237, MONDO:0010650, OMIM 309350.
Frontometaphyseal dysplasia (FMD1). Identifiers: MONDO:0015942, Orphanet 1826, MedGen C0265293.
Oto-palato-digital syndrome, type II (OPD2). Also called: Otopalatodigital Syndrome, Type II; FACIOPALATOOSSEOUS SYNDROME; OPD II SYNDROME; Otopalatodigital Syndrome Type 2 (FLNA-OPD2). Identifiers: Orphanet 669, Orphanet 90652, MedGen C1844696, MONDO:0010571, OMIM 304120.
Heterotopia, periventricular, X-linked dominant (PVNH1). Also called: X-linked periventricular heterotopia; PERIVENTRICULAR NODULAR HETEROTOPIA 4; HETEROTOPIA, PERIVENTRICULAR, 1; PERIVENTRICULAR NODULAR HETEROTOPIA 1. Identifiers: Orphanet 2149, Orphanet 82004, MedGen C1848213, MONDO:0010233, OMIM 300049.
Congenital heart disease (CHD). Identifiers: MedGen C0152021, MONDO:0005453. Disease mechanism: unknown.

Allele frequency attached by ClinVar (database versions not stated): gnomAD exomes below 0.00001 and 0.00001; ExAC 0.00001.
gnomAD v4.1: 2 of 1,211,523 alleles (0.00017%); highest among the groups gnomAD compares: Non-Finnish European, 0.00022%; 1 homozygote.

Submissions (3):

Labcorp Genetics (formerly Invitae), Labcorp
Classification: Likely benign for Oto-palato-digital syndrome, type II; Heterotopia, periventricular, X-linked dominant; Frontometaphyseal dysplasia; Melnick-Needles syndrome. Last evaluated: 2025-10-09. Review status: criteria provided, single submitter. Criteria: Invitae Variant Classification Sherloc (09022015). Collection method: clinical testing. Allele origin: germline.

Cambridge Genomics Laboratory, East Genomic Laboratory Hub, NHS Genomic Medicine Service
Classification: Uncertain significance for Congenital heart disease. Last evaluated: 2020-05-07. Review status: criteria provided, single submitter. Criteria: ACGS Best Practice Guidelines for Variant Classification in Rare Disease 2020. Collection method: clinical testing. Allele origin: germline. Affected: yes. Observed: 1 variant allele.

GeneDx
Classification: Uncertain significance. Last evaluated: 2019-02-26. Review status: criteria provided, single submitter. Criteria: GeneDx Variant Classification Process June 2021. Collection method: clinical testing. Allele origin: germline. Affected: yes.
Comment: Not observed at a significant frequency in large population cohorts (Lek et al., 2016); In silico analysis, which includes protein predictors and evolutionary conservation, supports a deleterious effect; Has not been previously published as pathogenic or benign to our knowledge